The following is an entry in ClinVar:

ClinVar aggregate classification (germline): Benign. Review status: criteria provided, multiple submitters, no conflicts (2 of 4 stars). 4 submissions from 4 submitters: Benign (4). Last evaluated 2026-01-26.

Conditions:
DUOXA2-related disorder. Also called: DUOXA2-related condition.

Allele frequency attached by ClinVar (database versions not stated): gnomAD exomes 0.00431; ExAC 0.00507; gnomAD 0.01555 and 0.01674; ESP Exome Variant Server 0.01647; TOPMed 0.01765; 1000 Genomes Project 0.02017; 1000 Genomes Project 30x 0.02139.

Submissions (4):

Labcorp Genetics (formerly Invitae), Labcorp
Classification: Benign. Last evaluated: 2026-01-26. Review status: criteria provided, single submitter. Criteria: Invitae Variant Classification Sherloc (09022015). Collection method: clinical testing. Allele origin: germline.

PreventionGenetics, part of Exact Sciences
Classification: Benign for DUOXA2-related condition. Last evaluated: 2025-05-09. Review status: criteria provided, single submitter. Criteria: ACMG Guidelines, 2015. Collection method: clinical testing. Allele origin: germline.
Comment: This variant is classified as benign based on ACMG/AMP sequence variant interpretation guidelines (Richards et al. 2015 PMID: 25741868, with internal and published modifications).

GeneDx
Classification: Benign. Last evaluated: 2019-10-06. Review status: criteria provided, single submitter. Criteria: GeneDx Variant Classification Process June 2021. Collection method: clinical testing. Allele origin: germline. Affected: yes.

Breakthrough Genomics
Classification: Benign. Review status: criteria provided, single submitter. Criteria: ACMG Guidelines, 2015. Collection method: not provided. Allele origin: germline. Inheritance: Autosomal recessive inheritance. Affected: yes.

NM_207581.4(DUOXA2):c.639C>A (p.Thr213=)

Gene: DUOXA2 (dual oxidase maturation factor 2; plus strand). Cytogenetic location: 15q21.1.
Variant type: single nucleotide variant.
Coding change: c.639C>A on transcript NM_207581.4 (MANE Select); coding-DNA position 639, C replaced by A.
Protein change: p.Thr213=; no amino-acid change (threonine 213 retained).
Molecular consequence: synonymous variant.
Genome position (GRCh38, 1-based): chr15:45,117,175, C>A. VCF-style: chr15-45117175-C-A. GRCh37 (hg19) VCF-style: chr15-45409373-C-A.
Identifiers: ClinVar variation 786261 (VCV000786261.10), dbSNP rs61733393, ClinGen allele CA7539476.